The following is an entry in ClinVar:

ClinVar aggregate classification (germline): Uncertain significance (1 of 4 stars; one submission).

Conditions:
Familial hypocalciuric hypercalcemia (FHH). Also called: Familial benign hypercalcemia. Identifiers: Orphanet 405, MedGen C1809471, MONDO:0018458.
Autosomal dominant hypocalcemia 1 (HYPOC1). Also called: HYPOCALCEMIA, FAMILIAL. Identifiers: MedGen C3715128, MONDO:0011013, OMIM 601198.

Submission:

Labcorp Genetics (formerly Invitae), Labcorp
Classification: Uncertain significance for Familial hypocalciuric hypercalcemia; Autosomal dominant hypocalcemia 1. Last evaluated: 2024-03-06. Review status: criteria provided, single submitter. Criteria: Invitae Variant Classification Sherloc (09022015). Collection method: clinical testing. Allele origin: germline.
Comment: This sequence change replaces isoleucine, which is neutral and non-polar, with threonine, which is neutral and polar, at codon 599 of the CASR protein (p.Ile599Thr). This variant is not present in population databases (gnomAD no frequency). This variant has not been reported in the literature in individuals affected with CASR-related conditions. ClinVar contains an entry for this variant (Variation ID: 1375830). An algorithm developed to predict the effect of missense changes on protein structure and function (PolyPhen-2) suggests that this variant is likely to be tolerated. In summary, the available evidence is currently insufficient to determine the role of this variant in disease. Therefore, it has been classified as a Variant of Uncertain Significance.

NM_000388.4(CASR):c.1796T>C (p.Ile599Thr)

Gene: CASR (calcium sensing receptor; plus strand). Cytogenetic location: 3q21.1.
Variant type: single nucleotide variant.
Coding change: c.1796T>C on transcript NM_000388.4 (MANE Select); coding-DNA position 1796, T replaced by C.
Protein change: p.Ile599Thr; replaces isoleucine 599 with threonine.
Molecular consequence: missense variant.
Genome position (GRCh38, 1-based): chr3:122,283,750, T>C. VCF-style: chr3-122283750-T-C. GRCh37 (hg19) VCF-style: chr3-122002597-T-C.
Other names: c.1826T>C, p.Ile609Thr (NM_001178065.2); short protein forms I599T, I609T.
Identifiers: ClinVar variation 1375830 (VCV001375830.8), dbSNP rs2107649420, ClinGen allele CA354157387.